The following is an entry in ClinVar:

NM_021020.5(LZTS1):c.1543C>T (p.Arg515Trp)

Gene: LZTS1 (leucine zipper tumor suppressor 1; minus strand). Cytogenetic location: 8p21.3.
Variant type: single nucleotide variant.
Coding change: c.1543C>T on transcript NM_021020.5 (MANE Select); coding-DNA position 1543, C replaced by T.
Protein change: p.Arg515Trp; replaces arginine 515 with tryptophan.
Molecular consequence: missense variant.
Genome position (GRCh38, 1-based): chr8:20,249,970, G>A on the plus strand (C>T on the coding strand, the complement: LZTS1 is on the minus strand). VCF-style: chr8-20249970-G-A. GRCh37 (hg19) VCF-style: chr8-20107481-G-A.
Other names: c.1543C>T, p.Arg515Trp (NM_001362884.2); short protein forms R515W.
Identifiers: ClinVar variation 2556541 (VCV002556541.5), dbSNP rs1162982161, ClinGen allele CA370475914.
Genomic context (GRCh38, chr8:20,249,970, plus strand): 5'-CCTCCTTCCACACGAGCCGCTCATGCTGGAAGCCCGAGGACATCTGGTCATGGCCTTGCC[G>A]CTCCTCCCGCAGCTCGGCCCGCAGCCGCTCCAGCTCCCGCTGCAGGGCAGGGACGTCCTC-3'
Protein context (NP_066300.1, residues 505-525): ERLRAELREE[Arg515Trp]QGHDQMSSGF

ClinVar aggregate classification (germline): Uncertain significance. Review status: criteria provided, multiple submitters, no conflicts (2 of 4 stars). 2 submissions from 2 submitters: Uncertain significance (2). Last evaluated 2023-06-05.

gnomAD v4.1: 8 of 1,613,892 alleles (0.0005%); highest among the groups gnomAD compares: East Asian, 0.0045%; no homozygotes.

Submissions (2):

Ambry Genetics
Classification: Uncertain significance. Last evaluated: 2023-06-05. Review status: criteria provided, single submitter. Criteria: Ambry Variant Classification Scheme 2023. Collection method: clinical testing. Allele origin: germline.

Labcorp Genetics (formerly Invitae), Labcorp
Classification: Uncertain significance. Last evaluated: 2023-01-20. Review status: criteria provided, single submitter. Criteria: Invitae Variant Classification Sherloc (09022015). Collection method: clinical testing. Allele origin: germline.
Comment: This sequence change replaces arginine, which is basic and polar, with tryptophan, which is neutral and slightly polar, at codon 515 of the LZTS1 protein (p.Arg515Trp). This variant is present in population databases (no rsID available, gnomAD 0.006%). This variant has not been reported in the literature in individuals affected with LZTS1-related conditions. Advanced modeling of protein sequence and biophysical properties (such as structural, functional, and spatial information, amino acid conservation, physicochemical variation, residue mobility, and thermodynamic stability) performed at Invitae indicates that this missense variant is expected to disrupt LZTS1 protein function. In summary, the available evidence is currently insufficient to determine the role of this variant in disease. Therefore, it has been classified as a Variant of Uncertain Significance.